The following is an entry in ClinVar:

NM_032447.5(FBN3):c.531A>G (p.Gln177=)

Gene: FBN3 (fibrillin 3; minus strand). Cytogenetic location: 19p13.2.
Variant type: single nucleotide variant.
Coding change: c.531A>G on transcript NM_032447.5 (MANE Select); coding-DNA position 531, A replaced by G.
Protein change: p.Gln177=; no amino-acid change (glutamine 177 retained).
Molecular consequence: synonymous variant.
Genome position (GRCh38, 1-based): chr19:8,144,887, T>C on the plus strand (A>G on the coding strand, the complement: FBN3 is on the minus strand). VCF-style: chr19-8144887-T-C. GRCh37 (hg19) VCF-style: chr19-8209771-T-C.
Other names: c.531A>G, p.Gln177= (NM_001321431.2).
Identifiers: ClinVar variation 2649192 (VCV002649192.24), dbSNP rs1056100907, ClinGen allele CA304960552.
Genomic context (GRCh38, chr19:8,144,887, plus strand): 5'-TTTCCTCCATCGAGTCCCCTGTCTACCTCCCACCCGCGCATGCTTGGTACCTCTCTCACA[T>C]TGAGGTCCCATGAAGCCATACACACAGGCGCAGCGGTTGGGCCCAATGCAGCGACCCCCA-3'
Protein context (NP_115823.3, residues 167-187): CACVYGFMGP[Gln177=]CERDYRTGPC

ClinVar aggregate classification (germline): Likely benign (1 of 4 stars; one submission).

Allele frequency attached by ClinVar (database versions not stated): gnomAD 0.00001; gnomAD exomes 0.00002; TOPMed 0.00003.
gnomAD v4.1: 25 of 1,608,858 alleles (0.0016%); highest among the groups gnomAD compares: East Asian, 0.0045%; no homozygotes.

Submission:

CeGaT Center for Human Genetics Tuebingen
Classification: Likely benign. Last evaluated: 2023-04-01. Review status: criteria provided, single submitter. Criteria: CeGaT Center For Human Genetics Tuebingen Variant Classification Criteria Version 2. Collection method: clinical testing. Allele origin: germline. Affected: yes. Observed: 1 variant allele.
Comment: FBN3: BP4, BP7